The following is an entry in ClinVar:

NM_001080516.2(GRXCR2):c.343C>T (p.Pro115Ser)

Gene: GRXCR2 (glutaredoxin and cysteine rich domain containing 2; minus strand). Cytogenetic location: 5q32.
Variant type: single nucleotide variant.
Coding change: c.343C>T on transcript NM_001080516.2 (MANE Select); coding-DNA position 343, C replaced by T.
Protein change: p.Pro115Ser; replaces proline 115 with serine.
Molecular consequence: missense variant.
Genome position (GRCh38, 1-based): chr5:145,866,722, G>A on the plus strand (C>T on the coding strand, the complement: GRXCR2 is on the minus strand). VCF-style: chr5-145866722-G-A. GRCh37 (hg19) VCF-style: chr5-145246285-G-A.
Other names: short protein forms P115S.
Identifiers: ClinVar variation 4989922 (VCV004989922.1).

ClinVar aggregate classification (germline): Uncertain significance (1 of 4 stars; one submission).

Conditions:
GRXCR2-related disorder. Also called: GRXCR2-related condition.

gnomAD v4.1: 9 of 1,596,002 alleles (0.00056%); highest among the groups gnomAD compares: East Asian, 0.0089%; no homozygotes.

Submission:

PreventionGenetics, part of Exact Sciences
Classification: Uncertain significance for GRXCR2-related condition. Last evaluated: 2025-01-05. Review status: criteria provided, single submitter. Criteria: ACMG Guidelines, 2015. Collection method: clinical testing. Allele origin: germline.
Comment: The GRXCR2 c.343C>T variant is predicted to result in the amino acid substitution p.Pro115Ser. To our knowledge, this variant has not been reported in the literature. This variant is reported in 0.0062% of alleles in individuals of African descent in gnomAD. At this time, the clinical significance of this variant is uncertain due to the absence of conclusive functional and genetic evidence.